The following is an entry in ClinVar:

NM_001163435.3(TBCK):c.1610T>C (p.Val537Ala)

Gene: TBCK (TBC1 domain containing kinase; minus strand). Cytogenetic location: 4q24.
Variant type: single nucleotide variant.
Coding change: c.1610T>C on transcript NM_001163435.3 (MANE Select); coding-DNA position 1610, T replaced by C.
Protein change: p.Val537Ala; replaces valine 537 with alanine.
Molecular consequence: missense variant.
Genome position (GRCh38, 1-based): chr4:106,232,967, A>G on the plus strand (T>C on the coding strand, the complement: TBCK is on the minus strand). VCF-style: chr4-106232967-A-G. GRCh37 (hg19) VCF-style: chr4-107154124-A-G.
Other names: c.1610T>C, p.Val537Ala (NM_001163436.4); c.1493T>C, p.Val498Ala (NM_001163437.3); c.1094T>C, p.Val365Ala (NM_001290768.2); c.1421T>C, p.Val474Ala (NM_033115.5); short protein forms V365A, V474A, V498A, V537A.
Identifiers: ClinVar variation 1522396 (VCV001522396.8), dbSNP rs2149997357, ClinGen allele CA357822331.

ClinVar aggregate classification (germline): Uncertain significance (1 of 4 stars; one submission).

Submission:

Labcorp Genetics (formerly Invitae), Labcorp
Classification: Uncertain significance. Last evaluated: 2021-04-02. Review status: criteria provided, single submitter. Criteria: Invitae Variant Classification Sherloc (09022015). Collection method: clinical testing. Allele origin: germline.
Comment: Algorithms developed to predict the effect of missense changes on protein structure and function (SIFT, PolyPhen-2, Align-GVGD) all suggest that this variant is likely to be tolerated, but these predictions have not been confirmed by published functional studies and their clinical significance is uncertain. This sequence change replaces valine with alanine at codon 537 of the TBCK protein (p.Val537Ala). The valine residue is moderately conserved and there is a small physicochemical difference between valine and alanine. This variant is not present in population databases (ExAC no frequency). This variant has not been reported in the literature in individuals with TBCK-related conditions. In summary, the available evidence is currently insufficient to determine the role of this variant in disease. Therefore, it has been classified as a Variant of Uncertain Significance.